The following is an entry in ClinVar:

NM_005762.3(TRIM28):c.155C>A (p.Ala52Glu)

Genes: TRIM28 (tripartite motif containing 28; plus strand), LOC130065239 (ATAC-STARR-seq lymphoblastoid silent region 11093; plus strand). Cytogenetic location: 19q13.43.
Variant type: single nucleotide variant.
Coding change: c.155C>A on transcript NM_005762.3 (MANE Select); coding-DNA position 155, C replaced by A.
Protein change: p.Ala52Glu; replaces alanine 52 with glutamic acid.
Molecular consequence: missense variant.
Genome position (GRCh38, 1-based): chr19:58,544,912, C>A. VCF-style: chr19-58544912-C-A. GRCh37 (hg19) VCF-style: chr19-59056279-C-A.
Other names: short protein forms A52E.
Identifiers: ClinVar variation 5038421 (VCV005038421.1).

ClinVar aggregate classification (germline): Uncertain significance (1 of 4 stars; one submission).

Conditions:
Predisposition to Wilms tumor.

gnomAD v4.1: 1 of 1,390,624 alleles (0.000072%); highest among the groups gnomAD compares: Non-Finnish European, 0.000093%; no homozygotes.

Submission:

St. Jude Molecular Pathology, St. Jude Children's Research Hospital
Classification: Uncertain significance for Predisposition to Wilms tumor. Last evaluated: 2026-10-01. Review status: criteria provided, single submitter. Criteria: St. Jude Assertion Criteria 2020. Collection method: clinical testing. Allele origin: germline.
Comment: The TRIM28 c.155C>A p.(Ala52Glu) missense change is absent in gnomAD v2.1.1. The in silico tool REVEL predicts a benign effect on protein function, but to our knowledge this prediction has not been confirmed by functional studies. To our knowledge, this variant has not been reported in individuals with Wilms tumor. In summary, the evid ence currently available is insufficient to determine the clinical significance of this variant. It has therefore been classified as of uncertain significance.